The following is an entry in ClinVar:

ClinVar aggregate classification (germline): Benign (1 of 4 stars; one submission).

Allele frequency attached by ClinVar (database versions not stated): 1000 Genomes Project 30x 0.29201; gnomAD 0.26086; TOPMed 0.26808; 1000 Genomes Project 0.28854.
gnomAD v4.1: 124,203 of 679,544 alleles (18%); highest among the groups gnomAD compares: African/African-American, 56%; 16,360 homozygotes.

Submission:

GeneDx
Classification: Benign. Last evaluated: 2018-06-14. Review status: criteria provided, single submitter. Criteria: GeneDx Variant Classification (06012015). Collection method: clinical testing. Allele origin: germline. Affected: yes.
Comment: This variant is considered likely benign or benign based on one or more of the following criteria: it is a conservative change, it occurs at a poorly conserved position in the protein, it is predicted to be benign by multiple in silico algorithms, and/or has population frequency not consistent with disease.

NM_000426.4(LAMA2):c.1884+130A>T

Gene: LAMA2 (laminin subunit alpha 2; plus strand). Cytogenetic location: 6q22.33.
Variant type: single nucleotide variant.
Coding change: c.1884+130A>T on transcript NM_000426.4 (MANE Select); 130 bases into the intron after coding-DNA position 1884, A replaced by T.
Molecular consequence: intron variant.
Genome position (GRCh38, 1-based): chr6:129,250,343, A>T. VCF-style: chr6-129250343-A-T. GRCh37 (hg19) VCF-style: chr6-129571488-A-T.
Other names: c.1884+130A>T (NM_001079823.2).
Identifiers: ClinVar variation 682903 (VCV000682903.1), dbSNP rs2169870, ClinGen allele CA146918354.